The following is an entry in ClinVar:

NM_006576.4(AVIL):c.1204A>G (p.Ile402Val)

Gene: AVIL (advillin; minus strand). Cytogenetic location: 12q14.1.
Variant type: single nucleotide variant.
Coding change: c.1204A>G on transcript NM_006576.4 (MANE Select); coding-DNA position 1204, A replaced by G.
Protein change: p.Ile402Val; replaces isoleucine 402 with valine.
Molecular consequence: missense variant.
Genome position (GRCh38, 1-based): chr12:57,807,718, T>C on the plus strand (A>G on the coding strand, the complement: AVIL is on the minus strand). VCF-style: chr12-57807718-T-C. GRCh37 (hg19) VCF-style: chr12-58201501-T-C.
Other names: short protein forms I402V.
Identifiers: ClinVar variation 1691303 (VCV001691303.4), dbSNP rs2140450849, ClinGen allele CA385545422.

ClinVar aggregate classification (germline): Uncertain significance (1 of 4 stars; one submission).

Conditions:
Nephrotic syndrome, type 21. Identifiers: MedGen C5231498, MONDO:0032826, OMIM 618594.

Submission:

Diagnostics Services (NGS), CSIR - Centre For Cellular And Molecular Biology
Classification: Uncertain significance for Nephrotic syndrome, type 21. Last evaluated: 2022-04-06. Review status: criteria provided, single submitter. Criteria: ACMG Guidelines, 2015. Collection method: clinical testing. Allele origin: unknown. Inheritance: Autosomal recessive inheritance. Affected: yes. Observed: 1 variant allele, 1 heterozygote.
Comment: The c.1204A>G variant is not present in publicly available population databases like 1000 Genomes, Exome Variant Server (EVS), Exome Aggregation Consortium (ExAC), Genome Aggregation Database (gnomAD) and Indian Exome Database. The variant is also not present in our in-house exome database. The variant was not previously reported to Clinvar, Human Genome Mutation Database (HGMD) and/or OMIM databases, in any affected individuals. Predictions from different in-silico pathogenicity prediction programs like SIFT, PolyPhen-2, MutationTaster2, CADD, Varsome etc. are contradictory, however these predictions were not confirmed by any published functional studies.